The following is an entry in ClinVar:

ClinVar aggregate classification (germline): Conflicting classifications of pathogenicity. Review status: criteria provided, conflicting classifications (1 of 4 stars). 4 submissions from 4 submitters: Uncertain significance (1); Likely benign (3). Last evaluated 2026-09-11.

Conditions:
Inborn genetic diseases. Identifiers: MedGen C0950123, MeSH D030342.
LCA5-related disorder. Also called: LCA5-related condition.

Allele frequency attached by ClinVar (database versions not stated): 1000 Genomes Project 30x 0.00078; gnomAD 0.00089; TOPMed 0.00110; 1000 Genomes Project 0.00080; ESP Exome Variant Server 0.00085.
gnomAD v4.1: 258 of 1,569,644 alleles (0.016%); highest among the groups gnomAD compares: African/African-American, 0.3%; 1 homozygote.

Submissions (4):

Ambry Genetics
Classification: Uncertain significance for Inborn genetic diseases. Last evaluated: 2026-09-11. Review status: criteria provided, single submitter. Criteria: Ambry Variant Classification Scheme 2023. Collection method: clinical testing. Allele origin: germline.

Labcorp Genetics (formerly Invitae), Labcorp
Classification: Likely benign. Last evaluated: 2026-01-19. Review status: criteria provided, single submitter. Criteria: Invitae Variant Classification Sherloc (09022015). Collection method: clinical testing. Allele origin: germline.

PreventionGenetics, part of Exact Sciences
Classification: Likely benign for LCA5-related condition. Last evaluated: 2024-10-13. Review status: criteria provided, single submitter. Criteria: ACMG Guidelines, 2015. Collection method: clinical testing. Allele origin: germline.
Comment: This variant is classified as likely benign based on ACMG/AMP sequence variant interpretation guidelines (Richards et al. 2015 PMID: 25741868, with internal and published modifications).

Blueprint Genetics
Classification: Likely benign. Last evaluated: 2024-03-19. Review status: criteria provided, single submitter. Criteria: ACMG Guidelines, 2015. Collection method: clinical testing. Allele origin: germline.

NM_001122769.3(LCA5):c.919C>G (p.Pro307Ala)

Gene: LCA5 (lebercilin LCA5; minus strand). Cytogenetic location: 6q14.1.
Variant type: single nucleotide variant.
Coding change: c.919C>G on transcript NM_001122769.3 (MANE Select); coding-DNA position 919, C replaced by G.
Protein change: p.Pro307Ala; replaces proline 307 with alanine.
Molecular consequence: missense variant.
Genome position (GRCh38, 1-based): chr6:79,492,587, G>C on the plus strand (C>G on the coding strand, the complement: LCA5 is on the minus strand). VCF-style: chr6-79492587-G-C. GRCh37 (hg19) VCF-style: chr6-80202304-G-C.
Other names: c.919C>G, p.Pro307Ala (NM_181714.4); short protein forms P307A.
Identifiers: ClinVar variation 707459 (VCV000707459.15), dbSNP rs139892282, ClinGen allele CA3900981.
Genomic context (GRCh38, chr6:79,492,587, plus strand): 5'-TTTGAACAATCATATTTACCATACCATTTTTTCTTAATGCAAGTTCTTTCTCTTTATTTG[G>C]AGAGGACTTTGGCAGACGATTAGAATATATATTTTTTATATCCAGTTCTCTCTCCTTTTC-3'
Protein context (NP_001116241.1, residues 297-317): IYSNRLPKSS[Pro307Ala]NKEKELALRK